The following is an entry in ClinVar:

NM_001170629.2(CHD8):c.3005A>T (p.Glu1002Val)

Gene: CHD8 (chromodomain helicase DNA binding protein 8; minus strand). Cytogenetic location: 14q11.2.
Variant type: single nucleotide variant.
Coding change: c.3005A>T on transcript NM_001170629.2 (MANE Select); coding-DNA position 3005, A replaced by T.
Protein change: p.Glu1002Val; replaces glutamic acid 1002 with valine.
Molecular consequence: missense variant.
Genome position (GRCh38, 1-based): chr14:21,405,767, T>A on the plus strand (A>T on the coding strand, the complement: CHD8 is on the minus strand). VCF-style: chr14-21405767-T-A. GRCh37 (hg19) VCF-style: chr14-21873926-T-A.
Other names: c.2168A>T, p.Glu723Val (NM_020920.4); short protein forms E1002V, E723V.
Identifiers: ClinVar variation 3366954 (VCV003366954.1).

ClinVar aggregate classification (germline): Uncertain significance (1 of 4 stars; one submission).

Conditions:
Intellectual developmental disorder with autism and macrocephaly. Also called: Autism, susceptibility to, 18; CHD8-Related Neurodevelopmental Disorder with Overgrowth. Identifiers: Orphanet 642675, MedGen C3554373, MONDO:0014017, OMIM 615032.

Submission:

Institute of Immunology and Genetics Kaiserslautern
Classification: Uncertain significance for Intellectual developmental disorder with autism and macrocephaly. Last evaluated: 2023-12-14. Review status: criteria provided, single submitter. Criteria: ACMG Guidelines, 2015. Collection method: clinical testing. Allele origin: germline. Affected: yes.
Comment: ACMG Citeria: PM2_P, PP3; Variant was found in heterozygous state